The following is an entry in ClinVar:

NM_000540.3(RYR1):c.12371_12372delinsAA (p.Cys4124Ter)

Gene: RYR1 (ryanodine receptor 1; plus strand). Cytogenetic location: 19q13.2.
Variant type: Indel.
Coding change: c.12371_12372delinsAA on transcript NM_000540.3 (MANE Select); coding-DNA positions 12371 to 12372, GC replaced by AA.
Protein change: p.Cys4124Ter; replaces cysteine 4124 with a stop codon.
Molecular consequence: nonsense.
Genome position (GRCh38, 1-based): chr19:38,561,201-38,561,202, GC replaced by AA. VCF-style: chr19-38561201-GC-AA. GRCh37 (hg19) VCF-style: chr19-39051841-GC-AA.
Other names: c.12356_12357delinsAA, p.Cys4119Ter (NM_001042723.2); short protein forms C4124*, C4119*.
Identifiers: ClinVar variation 2825486 (VCV002825486.3), dbSNP rs2514652531, ClinGen allele CA2739276723.

ClinVar aggregate classification (germline): Pathogenic (1 of 4 stars; one submission).

Conditions:
RYR1-related disorder. Also called: RYR1-related condition; RYR1-related disorders. Identifiers: MedGen CN239331.

Submission:

Labcorp Genetics (formerly Invitae), Labcorp
Classification: Pathogenic for RYR1-related disorder. Last evaluated: 2023-01-01. Review status: criteria provided, single submitter. Criteria: Invitae Variant Classification Sherloc (09022015). Collection method: clinical testing. Allele origin: germline.
Comment: This sequence change creates a premature translational stop signal (p.Cys4124*) in the RYR1 gene. It is expected to result in an absent or disrupted protein product. Loss-of-function variants in RYR1 are known to be pathogenic (PMID: 20583297, 20839240, 23919265, 28818389). For these reasons, this variant has been classified as Pathogenic. This variant has not been reported in the literature in individuals affected with RYR1-related conditions. Information on the frequency of this variant in the gnomAD database is not available, as this variant may be reported differently in the database.

Literature cited by the submitters: PubMed 20583297; PubMed 20839240; PubMed 23919265; PubMed 28818389.